The following is an entry in ClinVar:

ClinVar aggregate classification (germline): Uncertain significance (1 of 4 stars; one submission).

Allele frequency attached by ClinVar (database versions not stated): gnomAD exomes below 0.00001 and 0.00001; ExAC 0.00001.

Submission:

Labcorp Genetics (formerly Invitae), Labcorp
Classification: Uncertain significance. Last evaluated: 2024-10-28. Review status: criteria provided, single submitter. Criteria: Invitae Variant Classification Sherloc (09022015). Collection method: clinical testing. Allele origin: germline.
Comment: This sequence change replaces serine, which is neutral and polar, with cysteine, which is neutral and slightly polar, at codon 1993 of the USH2A protein (p.Ser1993Cys). This variant is present in population databases (rs758041992, gnomAD 0.0009%). This variant has not been reported in the literature in individuals affected with USH2A-related conditions. ClinVar contains an entry for this variant (Variation ID: 941794). Invitae Evidence Modeling of protein sequence and biophysical properties (such as structural, functional, and spatial information, amino acid conservation, physicochemical variation, residue mobility, and thermodynamic stability) indicates that this missense variant is not expected to disrupt USH2A protein function with a negative predictive value of 95%. In summary, the available evidence is currently insufficient to determine the role of this variant in disease. Therefore, it has been classified as a Variant of Uncertain Significance.

NM_206933.4(USH2A):c.5977A>T (p.Ser1993Cys)

Gene: USH2A (usherin; minus strand). Cytogenetic location: 1q41.
Variant type: single nucleotide variant.
Coding change: c.5977A>T on transcript NM_206933.4 (MANE Select); coding-DNA position 5977, A replaced by T.
Protein change: p.Ser1993Cys; replaces serine 1993 with cysteine.
Molecular consequence: missense variant.
Genome position (GRCh38, 1-based): chr1:216,070,173, T>A on the plus strand (A>T on the coding strand, the complement: USH2A is on the minus strand). VCF-style: chr1-216070173-T-A. GRCh37 (hg19) VCF-style: chr1-216243515-T-A.
Other names: short protein forms S1993C.
Identifiers: ClinVar variation 941794 (VCV000941794.9), dbSNP rs758041992, ClinGen allele CA1395285.